The following is an entry in ClinVar:

NM_001128840.3(CACNA1D):c.476A>G (p.His159Arg)

Gene: CACNA1D (calcium voltage-gated channel subunit alpha1 D; plus strand). Cytogenetic location: 3p21.1.
Variant type: single nucleotide variant.
Coding change: c.476A>G on transcript NM_001128840.3 (MANE Select); coding-DNA position 476, A replaced by G.
Protein change: p.His159Arg; replaces histidine 159 with arginine.
Molecular consequence: missense variant.
Genome position (GRCh38, 1-based): chr3:53,501,713, A>G. VCF-style: chr3-53501713-A-G. GRCh37 (hg19) VCF-style: chr3-53535740-A-G.
Other names: c.476A>G, p.His159Arg (NM_000720.4, NM_001128839.3); short protein forms H159R.
Identifiers: ClinVar variation 2004126 (VCV002004126.4), dbSNP rs2471541386, ClinGen allele CA353382900.

ClinVar aggregate classification (germline): Uncertain significance (1 of 4 stars; one submission).

gnomAD v4.1: 1 of 1,558,236 alleles (0.000064%); highest among the groups gnomAD compares: Non-Finnish European, 0.000089%; no homozygotes.

Submission:

Labcorp Genetics (formerly Invitae), Labcorp
Classification: Uncertain significance. Last evaluated: 2022-11-20. Review status: criteria provided, single submitter. Criteria: Invitae Variant Classification Sherloc (09022015). Collection method: clinical testing. Allele origin: germline.
Comment: In summary, the available evidence is currently insufficient to determine the role of this variant in disease. Therefore, it has been classified as a Variant of Uncertain Significance. Advanced modeling of protein sequence and biophysical properties (such as structural, functional, and spatial information, amino acid conservation, physicochemical variation, residue mobility, and thermodynamic stability) performed at Invitae indicates that this missense variant is not expected to disrupt CACNA1D protein function. This variant has not been reported in the literature in individuals affected with CACNA1D-related conditions. This variant is not present in population databases (gnomAD no frequency). This sequence change replaces histidine, which is basic and polar, with arginine, which is basic and polar, at codon 159 of the CACNA1D protein (p.His159Arg).